The following is an entry in ClinVar:

ClinVar aggregate classification (germline): Uncertain significance. Review status: criteria provided, single submitter (1 of 4 stars). 2 submissions from 2 submitters: Uncertain significance (1). 1 of the submissions does not count toward it. Last evaluated 2024-10-26.

Conditions:
Usher syndrome type 2A. Also called: RETINAL DISEASE IN USHER SYNDROME TYPE IIA, MODIFIER OF; USHER SYNDROME, TYPE IIA. Identifiers: Orphanet 231178, Orphanet 886, MedGen C1848634, MONDO:0010169, OMIM 276901.

Allele frequency attached by ClinVar (database versions not stated): gnomAD 0.00001; gnomAD exomes 0.00001; TOPMed 0.00001.
gnomAD v4.1: 16 of 1,613,710 alleles (0.00099%); highest among the groups gnomAD compares: Non-Finnish European, 0.0014%; no homozygotes.

Submissions (2):

Labcorp Genetics (formerly Invitae), Labcorp
Classification: Uncertain significance. Last evaluated: 2024-10-26. Review status: criteria provided, single submitter. Criteria: Invitae Variant Classification Sherloc (09022015). Collection method: clinical testing. Allele origin: germline.
Comment: This sequence change replaces cysteine, which is neutral and slightly polar, with tyrosine, which is neutral and polar, at codon 3371 of the USH2A protein (p.Cys3371Tyr). This variant is not present in population databases (gnomAD no frequency). This variant has not been reported in the literature in individuals affected with USH2A-related conditions. ClinVar contains an entry for this variant (Variation ID: 864230). Invitae Evidence Modeling of protein sequence and biophysical properties (such as structural, functional, and spatial information, amino acid conservation, physicochemical variation, residue mobility, and thermodynamic stability) indicates that this missense variant is expected to disrupt USH2A protein function with a positive predictive value of 95%. In summary, the available evidence is currently insufficient to determine the role of this variant in disease. Therefore, it has been classified as a Variant of Uncertain Significance.

Natera, Inc.
Classification: Uncertain significance for Usher syndrome type 2A. Last evaluated: 2020-03-10. Review status: no assertion criteria provided. Collection method: clinical testing. Allele origin: germline. Not counted in ClinVar's aggregate classification.

NM_206933.4(USH2A):c.10112G>A (p.Cys3371Tyr)

Gene: USH2A (usherin; minus strand). Cytogenetic location: 1q41.
Variant type: single nucleotide variant.
Coding change: c.10112G>A on transcript NM_206933.4 (MANE Select); coding-DNA position 10112, G replaced by A.
Protein change: p.Cys3371Tyr; replaces cysteine 3371 with tyrosine.
Molecular consequence: missense variant.
Genome position (GRCh38, 1-based): chr1:215,790,129, C>T on the plus strand (G>A on the coding strand, the complement: USH2A is on the minus strand). VCF-style: chr1-215790129-C-T. GRCh37 (hg19) VCF-style: chr1-215963471-C-T.
Other names: short protein forms C3371Y.
Identifiers: ClinVar variation 864230 (VCV000864230.8), dbSNP rs1661940280, ClinGen allele CA344843685.
Genomic context (GRCh38, chr1:215,790,129, plus strand): 5'-ATTCCAGTTGAAATCTTGTCAGAGCAAACATATTTCAAAGGATTATATCCAACTCCATTA[C>T]AGCATTTCTGGCTCTTTGGAATAAGTTCAGTCTCACAGCATTTTACTGGCACCGGGTCAT-3'
Protein context (NP_996816.3, residues 3361-3381): TELIPKSQKC[Cys3371Tyr]NGVGYNPLKY